The following is an entry in ClinVar:

ClinVar aggregate classification (germline): Conflicting classifications of pathogenicity. Review status: criteria provided, conflicting classifications (1 of 4 stars). 2 submissions from 2 submitters: Uncertain significance (1); Likely benign (1). Last evaluated 2023-12-18.

Conditions:
Inborn genetic diseases. Identifiers: MedGen C0950123, MeSH D030342.

gnomAD v4.1: 8 of 1,614,040 alleles (0.0005%); highest among the groups gnomAD compares: Non-Finnish European, 0.00042%; no homozygotes.

Submissions (2):

Ambry Genetics
Classification: Likely benign for Inborn genetic diseases. Last evaluated: 2023-12-18. Review status: criteria provided, single submitter. Criteria: Ambry Variant Classification Scheme 2023. Collection method: clinical testing. Allele origin: germline.

Labcorp Genetics (formerly Invitae), Labcorp
Classification: Uncertain significance. Last evaluated: 2022-09-14. Review status: criteria provided, single submitter. Criteria: Invitae Variant Classification Sherloc (09022015). Collection method: clinical testing. Allele origin: germline.
Comment: This sequence change replaces serine, which is neutral and polar, with threonine, which is neutral and polar, at codon 152 of the RORB protein (p.Ser152Thr). This variant is present in population databases (no rsID available, gnomAD 0.004%). This variant has not been reported in the literature in individuals affected with RORB-related conditions. Algorithms developed to predict the effect of missense changes on protein structure and function (SIFT, PolyPhen-2, Align-GVGD) all suggest that this variant is likely to be tolerated. In summary, the available evidence is currently insufficient to determine the role of this variant in disease. Therefore, it has been classified as a Variant of Uncertain Significance.

NM_006914.4(RORB):c.454T>A (p.Ser152Thr)

Gene: RORB (RAR related orphan receptor B; plus strand). Cytogenetic location: 9q21.13.
Variant type: single nucleotide variant.
Coding change: c.454T>A on transcript NM_006914.4 (MANE Select); coding-DNA position 454, T replaced by A.
Protein change: p.Ser152Thr; replaces serine 152 with threonine.
Molecular consequence: missense variant.
Genome position (GRCh38, 1-based): chr9:74,642,632, T>A. VCF-style: chr9-74642632-T-A. GRCh37 (hg19) VCF-style: chr9-77257548-T-A.
Other names: c.487T>A, p.Ser163Thr (NM_001365023.1); c.454T>A (NM_006914.3); short protein forms S152T, S163T.
Identifiers: ClinVar variation 1717819 (VCV001717819.3), dbSNP rs1168363417, ClinGen allele CA373769889.